The following is an entry in ClinVar:

NM_000090.4(COL3A1):c.1133G>A (p.Gly378Asp)

Gene: COL3A1 (collagen type III alpha 1 chain; plus strand). Cytogenetic location: 2q32.2.
Variant type: single nucleotide variant.
Coding change: c.1133G>A on transcript NM_000090.4 (MANE Select); coding-DNA position 1133, G replaced by A.
Protein change: p.Gly378Asp; replaces glycine 378 with aspartic acid.
Molecular consequence: missense variant.
Genome position (GRCh38, 1-based): chr2:188,993,443, G>A. VCF-style: chr2-188993443-G-A. GRCh37 (hg19) VCF-style: chr2-189858169-G-A.
Other names: short protein forms G378D.
Identifiers: ClinVar variation 948196 (VCV000948196.11), dbSNP rs1688231067, ClinGen allele CA349851049.

ClinVar aggregate classification (germline): Likely pathogenic. Review status: criteria provided, multiple submitters, no conflicts (2 of 4 stars). 2 submissions from 2 submitters: Likely pathogenic (2). Last evaluated 2024-11-25.

Conditions:
Familial thoracic aortic aneurysm and aortic dissection (TAAD). Also called: Thoracic aortic aneurysms and dissections. Identifiers: Orphanet 91387, MedGen C4707243, MONDO:0019625.
Ehlers-Danlos syndrome, type 4 (EDSVASC). Also called: Ehlers-Danlos syndrome vascular type; Ehlers Danlos syndrome, ecchymotic type; Ehlers Danlos syndrome, arterial type; Ehlers Danlos syndrome, Sack-Barabas type; Ehlers-Danlos Syndrome Type IV. Identifiers: Orphanet 286, MedGen C0268338, MONDO:0017314, OMIM 130050.

Submissions (2):

Ambry Genetics
Classification: Likely pathogenic for Familial thoracic aortic aneurysm and aortic dissection. Last evaluated: 2024-11-25. Review status: criteria provided, single submitter. Criteria: Ambry Variant Classification Scheme 2023. Collection method: clinical testing. Allele origin: germline.
Comment: The p.G378D variant (also known as c.1133G>A), located in coding exon 16 of the COL3A1 gene, results from a G to A substitution at nucleotide position 1133. The glycine at codon 378 is replaced by aspartic acid, an amino acid with similar properties. The majority (approximately two-thirds) ofCOL3A1mutations identified to date have involved the substitution of another amino acid for glycine within the triple-helical domain (PepinMG et al.GenetMed.2014;16(12):881-8; Frank M et al.Eur J Hum Genet. 2015;23(12):1657-64). Internal structural analysis indicates that this alteration disrupts the characteristic G-X-Y motif in theCOL3A1protein and inserts a bulky side chain into asterically-constrainedregion (Bella J et al.Science.1994;266:75-81;HohenesterE et al.Proc. Natl.Acad. Sci. U.S.A.2008;105:18273-7; Ambry internal data). This variant was reported in individual(s) with features consistent with vascular Ehlers-Danlos syndrome (EDS) (Wolford BN et al. Circ Genom Precis Med, 2019 Jun;12:e002476; Beil A et al. BMC Med Genomics, 2021 Mar;14:66). This variant is considered to be rare based on population cohorts in the Genome Aggregation Database (gnomAD). This amino acid position is highly conserved in available vertebrate species. In addition, this alteration is predicted to be deleterious by in silico analysis. Based on the majority of available evidence to date, this variant is likely to be pathogenic.

Labcorp Genetics (formerly Invitae), Labcorp
Classification: Likely pathogenic for Ehlers-Danlos syndrome, type 4. Last evaluated: 2019-05-02. Review status: criteria provided, single submitter. Criteria: Invitae Variant Classification Sherloc (09022015). Collection method: clinical testing. Allele origin: germline.
Comment: Algorithms developed to predict the effect of missense changes on protein structure and function are either unavailable or do not agree on the potential impact of this missense change (SIFT: "Deleterious"; PolyPhen-2: "Not Available"; Align-GVGD: "Class C65"). This sequence change replaces glycine with aspartic acid at codon 378 of the COL3A1 protein (p.Gly378Asp). The glycine residue is highly conserved and there is a moderate physicochemical difference between glycine and aspartic acid. This variant is not present in population databases (ExAC no frequency). In summary, the currently available evidence indicates that the variant is pathogenic, but additional data are needed to prove that conclusively. Therefore, this variant has been classified as Likely Pathogenic. Glycine residues within the Gly-Xaa-Yaa repeats of the triple helix domain are required for the structure and stability of fibrillar collagens (PMID: 7695699, 8218237, 19344236). In COL3A1, variants that affect these glycine residues are significantly enriched in individuals with disease (PMID: 24922459, 25758994) compared to the general population (ExAC).

Literature cited by the submitters: PubMed 31211624 (cited by Ambry Genetics); PubMed 33648514 (cited by Ambry Genetics); PubMed 7695699 (cited by Labcorp Genetics (formerly Invitae), Labcorp); PubMed 8218237 (cited by Labcorp Genetics (formerly Invitae), Labcorp); PubMed 19344236 (cited by Labcorp Genetics (formerly Invitae), Labcorp); PubMed 24922459 (cited by Labcorp Genetics (formerly Invitae), Labcorp); PubMed 25758994 (cited by Labcorp Genetics (formerly Invitae), Labcorp).